The following is an entry in ClinVar:

ClinVar aggregate classification (germline): Likely pathogenic. Review status: criteria provided, multiple submitters, no conflicts (2 of 4 stars). 6 submissions from 6 submitters: Likely pathogenic (4). 2 of the submissions do not count toward it. Last evaluated 2026-07-15.

Conditions:
Nemaline myopathy 2 (NEM2). Also called: Nemaline myopathy 2, autosomal recessive. Identifiers: MedGen C1850569, MONDO:0009725, OMIM 256030.
Arthrogryposis multiplex congenita 6. Identifiers: MedGen C5543431, MONDO:0030281, OMIM 619334.
Fetal anomalies with a likely genetic cause.

Allele frequency attached by ClinVar (database versions not stated): TOPMed below 0.00001; gnomAD 0.00001; gnomAD exomes 0.00002.
gnomAD v4.1: 26 of 1,613,382 alleles (0.0016%); highest among the groups gnomAD compares: Non-Finnish European, 0.002%; no homozygotes.

Submissions (6):

Genetics Laboratory, Great Ormond Street Hospital NHS Foundation Trust, North Thames Genomic Laboratory Hub
Classification: Likely pathogenic for Fetal anomalies with a likely genetic cause. Last evaluated: 2026-07-15. Review status: criteria provided, single submitter. Criteria: ACGS Best Practice Guidelines for Variant Classification in Rare Disease 2024 v1.2. Collection method: clinical testing. Allele origin: germline. Affected: yes.
Comment: PM2_moderate, PVS1_strong

Labcorp Genetics (formerly Invitae), Labcorp
Classification: Likely pathogenic for Nemaline myopathy 2. Last evaluated: 2024-12-05. Review status: criteria provided, single submitter. Criteria: Invitae Variant Classification Sherloc (09022015). Collection method: clinical testing. Allele origin: germline.
Comment: This sequence change affects a donor splice site in intron 15 of the NEB gene. It is expected to disrupt RNA splicing. Variants that disrupt the donor or acceptor splice site typically lead to a loss of protein function (PMID: 16199547), and loss-of-function variants in NEB are known to be pathogenic (PMID: 25205138). This variant is not present in population databases (gnomAD no frequency). This variant has not been reported in the literature in individuals affected with NEB-related conditions. ClinVar contains an entry for this variant (Variation ID: 552028). Algorithms developed to predict the effect of sequence changes on RNA splicing suggest that this variant may disrupt the consensus splice site. In summary, the currently available evidence indicates that the variant is pathogenic, but additional data are needed to prove that conclusively. Therefore, this variant has been classified as Likely Pathogenic.

Fulgent Genetics
Classification: Likely pathogenic for Nemaline myopathy 2; Arthrogryposis multiplex congenita 6. Last evaluated: 2024-05-16. Review status: criteria provided, single submitter. Criteria: ACMG Guidelines, 2015. Collection method: clinical testing. Allele origin: germline.

Baylor Genetics
Classification: Likely pathogenic for Arthrogryposis multiplex congenita 6. Last evaluated: 2024-01-15. Review status: criteria provided, single submitter. Criteria: ACMG Guidelines, 2015. Collection method: clinical testing. Allele origin: unknown.

Natera, Inc.
Classification: Likely pathogenic for Nemaline myopathy type 2. Last evaluated: 2021-05-16. Review status: no assertion criteria provided. Collection method: clinical testing. Allele origin: germline. Not counted in ClinVar's aggregate classification.

Counsyl
Classification: Likely pathogenic for Nemaline myopathy 2. Last evaluated: 2017-05-19. Review status: no assertion criteria provided. Collection method: clinical testing. Allele origin: unknown. Not counted in ClinVar's aggregate classification.

Literature cited by the submitters: PubMed 16199547 (cited by Labcorp Genetics (formerly Invitae), Labcorp); PubMed 25205138 (cited by Labcorp Genetics (formerly Invitae), Labcorp).

NM_001164508.2(NEB):c.1365+2T>C

Gene: NEB (nebulin; minus strand). Cytogenetic location: 2q23.3.
Variant type: single nucleotide variant.
Coding change: c.1365+2T>C on transcript NM_001164508.2 (MANE Select); the canonical splice donor site of the intron after coding-DNA position 1365, T replaced by C.
Molecular consequence: splice donor variant.
Genome position (GRCh38, 1-based): chr2:151,697,348, A>G on the plus strand (T>C on the coding strand, the complement: NEB is on the minus strand). VCF-style: chr2-151697348-A-G. GRCh37 (hg19) VCF-style: chr2-152553862-A-G.
Other names: c.1365+2T>C (NM_004543.5, NM_001164507.2, NM_001271208.2).
Identifiers: ClinVar variation 552028 (VCV000552028.16), dbSNP rs770797137, ClinGen allele CA57677350.